The following is an entry in ClinVar:

ClinVar aggregate classification (germline): Uncertain significance. Review status: criteria provided, multiple submitters, no conflicts (2 of 4 stars). 3 submissions from 3 submitters: Uncertain significance (3). Last evaluated 2020-03-25.

Conditions:
Atrioventricular septal defect 5 (AVSD5). Identifiers: MedGen C3280939, MONDO:0013769, OMIM 614474.
Monogenic diabetes. Identifiers: Orphanet 183625, MedGen C3888631, MONDO:0015967.
Heart defects, congenital, and other congenital anomalies. Also called: PANCREATIC HYPOPLASIA, CONGENITAL, WITH DIABETES MELLITUS AND CONGENITAL HEART DISEASE; Pancreatic hypoplasia-diabetes-congenital heart disease syndrome. Identifiers: Orphanet 2255, MedGen C2931296, MONDO:0010802, OMIM 600001.

Allele frequency attached by ClinVar (database versions not stated): gnomAD exomes below 0.00001 and 0.00001; TOPMed 0.00001.
gnomAD v4.1: 14 of 1,588,594 alleles (0.00088%); highest among the groups gnomAD compares: Non-Finnish European, 0.0011%; no homozygotes.

Submissions (3):

Labcorp Genetics (formerly Invitae), Labcorp
Classification: Uncertain significance for Atrioventricular septal defect 5. Last evaluated: 2020-03-25. Review status: criteria provided, single submitter. Criteria: Invitae Variant Classification Sherloc (09022015). Collection method: clinical testing. Allele origin: germline.
Comment: This variant has not been reported in the literature in individuals with GATA6-related conditions. ClinVar contains an entry for this variant (Variation ID: 549549). This sequence change replaces serine with glycine at codon 58 of the GATA6 protein (p.Ser58Gly). The serine residue is weakly conserved and there is a small physicochemical difference between serine and glycine. This variant is not present in population databases (ExAC no frequency). Algorithms developed to predict the effect of missense changes on protein structure and function output the following: SIFT: "Tolerated"; PolyPhen-2: "Benign"; Align-GVGD: "Class C0". The glycine amino acid residue is found in multiple mammalian species, suggesting that this missense change does not adversely affect protein function. These predictions have not been confirmed by published functional studies and their clinical significance is uncertain. In summary, the available evidence is currently insufficient to determine the role of this variant in disease. Therefore, it has been classified as a Variant of Uncertain Significance.

Personalized Diabetes Medicine Program, University of Maryland School of Medicine
Classification: Uncertain significance for Monogenic diabetes. Last evaluated: 2017-08-01. Review status: criteria provided, single submitter. Criteria: ACMG Guidelines, 2015. Collection method: research. Allele origin: unknown. Observed: 1 variant allele, 1 heterozygote. Study: Personalized Diabetes Medicine Program.
Comment: ACMG Criteria:PP3 (4 predictors), BP4 (7 predictors), PM2 (absent in database)

Clinical Genomics, Uppaluri K&H Personalized Medicine Clinic
Classification: Uncertain significance for Heart defects, congenital, and other congenital anomalies. Review status: criteria provided, single submitter. Criteria: K And H Uppaluri Personalized Medicine Clinic Variant Classification And Assertion Criteria Updated V 2. Collection method: research. Allele origin: unknown. Inheritance: Autosomal dominant inheritance.
Comment: Potent mutations in GATA6 gene are associated with neonatal diabetes, decreased insulin production due to pancreatic aplasia or hypoplasia. Also associated with isolated cardiac abnormalities in children, like atrial septal defects.However no sufficient evidence is found to ascertain the role of this particular variant rs924843423 yet.

Literature cited by the submitters: PubMed 25706805 (cited by Clinical Genomics, Uppaluri K&H Personalized Medicine Clinic); PubMed 31271559 (cited by Clinical Genomics, Uppaluri K&H Personalized Medicine Clinic); PubMed 22158542 (cited by Clinical Genomics, Uppaluri K&H Personalized Medicine Clinic); PubMed 23223019 (cited by Clinical Genomics, Uppaluri K&H Personalized Medicine Clinic).

NM_005257.6(GATA6):c.172A>G (p.Ser58Gly)

Gene: GATA6 (GATA binding protein 6; plus strand). Cytogenetic location: 18q11.2.
Variant type: single nucleotide variant.
Coding change: c.172A>G on transcript NM_005257.6 (MANE Select); coding-DNA position 172, A replaced by G.
Protein change: p.Ser58Gly; replaces serine 58 with glycine.
Molecular consequence: missense variant.
Genome position (GRCh38, 1-based): chr18:22,171,316, A>G. VCF-style: chr18-22171316-A-G. GRCh37 (hg19) VCF-style: chr18-19751277-A-G.
Other names: short protein forms S58G.
Identifiers: ClinVar variation 549549 (VCV000549549.11), dbSNP rs924843423, ClinGen allele CA297147282.